The following is an entry in ClinVar:

ClinVar aggregate classification (germline): Uncertain significance (1 of 4 stars; one submission).

gnomAD v4.1: 1 of 1,603,908 alleles (0.000062%); highest among the groups gnomAD compares: East Asian, 0.0022%; no homozygotes.

Submission:

Ambry Genetics
Classification: Uncertain significance. Last evaluated: 2024-12-31. Review status: criteria provided, single submitter. Criteria: Ambry Variant Classification Scheme 2023. Collection method: clinical testing. Allele origin: germline.
Comment: The p.L1500F variant (also known as c.4498C>T), located in coding exon 19 of the WNK2 gene, results from a C to T substitution at nucleotide position 4498. The leucine at codon 1500 is replaced by phenylalanine, an amino acid with highly similar properties. This amino acid position is conserved. In addition, this alteration is predicted to be tolerated by in silico analysis. Based on the available evidence, the clinical significance of this variant remains unclear.

NM_006648.4(WNK2):c.4498C>T (p.Leu1500Phe)

Gene: WNK2 (WNK lysine deficient protein kinase 2; plus strand). Cytogenetic location: 9q22.31.
Variant type: single nucleotide variant.
Coding change: c.4498C>T on transcript NM_006648.4 (MANE Select); coding-DNA position 4498, C replaced by T.
Protein change: p.Leu1500Phe; replaces leucine 1500 with phenylalanine.
Molecular consequence: missense variant.
Genome position (GRCh38, 1-based): chr9:93,289,252, C>T. VCF-style: chr9-93289252-C-T. GRCh37 (hg19) VCF-style: chr9-96051534-C-T.
Other names: c.4609C>T, p.Leu1537Phe (NM_001282394.3); short protein forms L1500F, L1537F.
Identifiers: ClinVar variation 3816685 (VCV003816685.1).
Genomic context (GRCh38, chr9:93,289,252, plus strand): 5'-CCTGAGCCCAGCCCCCACAGCGGGACCCCACAGCCCGCCTTGGGTCAACCTGCTCCCCTG[C>T]TTCCTGCCGCAGTGGGGGCCGTCAGCCTGGCCACCTCCCAGCTCCCAAGCCCACCCCTGG-3'
Protein context (NP_006639.3, residues 1490-1510): QPALGQPAPL[Leu1500Phe]PAAVGAVSLA